The following is an entry in ClinVar:

ClinVar aggregate classification (germline): Conflicting classifications of pathogenicity. Review status: criteria provided, conflicting classifications (1 of 4 stars). 2 submissions from 2 submitters: Uncertain significance (1); Benign (1). Last evaluated 2025-08-08.

Allele frequency attached by ClinVar (database versions not stated): gnomAD 0.00151 and 0.00139; 1000 Genomes Project 30x 0.00156; gnomAD exomes 0.00027; ExAC 0.00036; TOPMed 0.00137; ESP Exome Variant Server 0.00138; 1000 Genomes Project 0.00140.
gnomAD v4.1: 378 of 1,613,886 alleles (0.023%); highest among the groups gnomAD compares: African/African-American, 0.43%; no homozygotes.

Submissions (2):

Labcorp Genetics (formerly Invitae), Labcorp
Classification: Benign. Last evaluated: 2025-08-08. Review status: criteria provided, single submitter. Criteria: Invitae Variant Classification Sherloc (09022015). Collection method: clinical testing. Allele origin: germline.

GeneDx
Classification: Uncertain significance. Last evaluated: 2023-01-23. Review status: criteria provided, single submitter. Criteria: GeneDx Variant Classification Process June 2021. Collection method: clinical testing. Allele origin: germline. Affected: yes.
Comment: In silico analysis supports that this missense variant does not alter protein structure/function; Has not been previously published as pathogenic or benign to our knowledge

NM_001024630.4(RUNX2):c.1166A>G (p.Asn389Ser)

Gene: RUNX2 (RUNX family transcription factor 2; plus strand). Cytogenetic location: 6p21.1.
Variant type: single nucleotide variant.
Coding change: c.1166A>G on transcript NM_001024630.4 (MANE Select); coding-DNA position 1166, A replaced by G.
Protein change: p.Asn389Ser; replaces asparagine 389 with serine.
Molecular consequence: missense variant.
Genome position (GRCh38, 1-based): chr6:45,546,905, A>G. VCF-style: chr6-45546905-A-G. GRCh37 (hg19) VCF-style: chr6-45514642-A-G.
Other names: c.1166A>G (NM_001024630.3); c.1100A>G, p.Asn367Ser (NM_001015051.4); c.1058A>G, p.Asn353Ser (NM_001278478.2); c.1124A>G, p.Asn375Ser (NM_001369405.1); short protein forms N353S, N367S, N375S, N389S.
Identifiers: ClinVar variation 1170860 (VCV001170860.10), dbSNP rs115347084, ClinGen allele CA3836586.